The following is an entry in ClinVar:

NM_001384474.1(LOXHD1):c.6554_6555del (p.Thr2185fs)

Gene: LOXHD1 (lipoxygenase homology PLAT domains 1; minus strand). Cytogenetic location: 18q21.1.
Variant type: Microsatellite.
Coding change: c.6554_6555del on transcript NM_001384474.1 (MANE Select); coding-DNA positions 6554 to 6555, 2 bases deleted (CA; older notation c.6554_6555delCA).
Protein change: p.Thr2185fs; shifts the reading frame from threonine 2185.
Molecular consequence: frameshift variant.
Genome position (GRCh38, 1-based): chr18:46,477,739-46,477,740, TG deleted on the plus strand (CA on the coding strand, the reverse complement: LOXHD1 is on the minus strand); deleting any 2 consecutive bases within chr18:46,477,739-46,477,743 gives the same sequence; the c. name uses the placement nearest the transcript's 3' end. VCF-style (leftmost placement, unchanged base first): chr18-46477738-CTG-C. GRCh37 (hg19) VCF-style: chr18-44057701-CTG-C.
Other names: c.3221_3222del, p.Thr1074fs (NM_001145472.3); c.1271_1272del, p.Thr424fs (NM_001145473.3, NM_001173129.2); c.2933_2934del, p.Thr978fs (NM_001308013.2); c.6368_6369del, p.Thr2123fs (NM_144612.7); c.6368_6369del (NM_144612.6); c.6368_6369delCA (NM_144612.6); short protein forms T2123fs, T424fs, T978fs, T1074fs, T2185fs.
Identifiers: ClinVar variation 2914672 (VCV002914672.6), dbSNP rs2511332481, ClinGen allele CA2576499653.
Genomic context (GRCh38, chr18:46,477,738, plus strand): 5'-AGCGGTCTGTGCTGCCCCGCTCGAAGAGGTTGCGCATTTTCTGCTTCAGCTCCCGCTTGC[CTG>C]TGTCTCCGTTGGCCCCAAAGATGGTCACGAAGACGTTGGCATCAGTGCCTGCCCCTGGCT-3'

ClinVar aggregate classification (germline): Pathogenic/Likely pathogenic. Review status: criteria provided, multiple submitters, no conflicts (2 of 4 stars). 4 submissions from 4 submitters: Pathogenic (1); Likely pathogenic (3). Last evaluated 2025-07-15.

Conditions:
Autosomal recessive nonsyndromic hearing loss 77. Identifiers: Orphanet 90636, MedGen C2746083, MONDO:0013119, OMIM 613079.
LOXHD1-related disorder. Also called: LOXHD1-related condition.

Submissions (4):

Natera, Inc.
Classification: Likely pathogenic for Autosomal recessive deafness type 77. Last evaluated: 2025-07-15. Review status: criteria provided, single submitter. Criteria: Natera Variant Classification Schema (03/2026). Collection method: clinical testing. Allele origin: germline.
Comment: The c.6368_6369delCA variant in LOXHD1 is a frameshift variant predicted to shift the reading frame beginning at codon 2123 and leads to a stop codon 30 codons downstream. This variant may result in a truncated or dysfunctional protein product. This variant is rare in the general population with a frequency below the threshold expected for the associated phenotype(s). This variant has been observed in one or more individuals affected with the associated recessive disease, as either homozygous or compound heterozygous with a second variant (PMID: 33879512). Given the available evidence, this variant is classified as Likely Pathogenic.

Fulgent Genetics
Classification: Likely pathogenic for Autosomal recessive nonsyndromic hearing loss 77. Last evaluated: 2024-05-12. Review status: criteria provided, single submitter. Criteria: ACMG Guidelines, 2015. Collection method: clinical testing. Allele origin: germline.

Labcorp Genetics (formerly Invitae), Labcorp
Classification: Pathogenic. Last evaluated: 2023-09-08. Review status: criteria provided, single submitter. Criteria: Invitae Variant Classification Sherloc (09022015). Collection method: clinical testing. Allele origin: germline.
Comment: For these reasons, this variant has been classified as Pathogenic. This variant disrupts a region of the LOXHD1 protein in which other variant(s) (p.Arg2158Cys) have been observed in individuals with LOXHD1-related conditions (PMID: 32860223). This suggests that this is a clinically significant region of the protein, and that variants that disrupt it are likely to be disease-causing. This premature translational stop signal has been observed in individual(s) with deafness (PMID: 34171171; Invitae). In at least one individual the data is consistent with being in trans (on the opposite chromosome) from a pathogenic variant. This variant is not present in population databases (gnomAD no frequency). This sequence change creates a premature translational stop signal (p.Thr2123Argfs*30) in the LOXHD1 gene. While this is not anticipated to result in nonsense mediated decay, it is expected to disrupt the last 89 amino acid(s) of the LOXHD1 protein.

Blueprint Genetics
Classification: Likely pathogenic for LOXHD1-related disorders. Last evaluated: 2020-10-22. Review status: criteria provided, single submitter. Criteria: ACMG Guidelines, 2015. Collection method: clinical testing. Allele origin: germline. Affected: yes. Observed: 2 variant alleles.

Literature cited by the submitters: PubMed 33879512 (cited by Natera, Inc.); PubMed 32860223 (cited by Labcorp Genetics (formerly Invitae), Labcorp); PubMed 34171171 (cited by Labcorp Genetics (formerly Invitae), Labcorp).